The following is an entry in ClinVar:

ClinVar aggregate classification (germline): Uncertain significance. Review status: criteria provided, multiple submitters, no conflicts (2 of 4 stars). 3 submissions from 3 submitters: Uncertain significance (3). Last evaluated 2026-07-10.

Conditions:
Inborn genetic diseases. Identifiers: MedGen C0950123, MeSH D030342.

Allele frequency attached by ClinVar (database versions not stated): ExAC 0.00009; 1000 Genomes Project 30x 0.00016; TOPMed 0.00012; gnomAD exomes 0.00010; 1000 Genomes Project 0.00020; gnomAD 0.00013.

Submissions (3):

GeneDx
Classification: Uncertain significance. Last evaluated: 2026-07-10. Review status: criteria provided, single submitter. Criteria: GeneDx Variant Classification Process June 2021. Collection method: clinical testing. Allele origin: germline.
Comment: In silico analysis supports that this missense variant has a deleterious effect on protein structure/function; Has not been previously published as pathogenic or benign to our knowledge

Ambry Genetics
Classification: Uncertain significance for Inborn genetic diseases. Last evaluated: 2023-08-19. Review status: criteria provided, single submitter. Criteria: Ambry Variant Classification Scheme 2023. Collection method: clinical testing. Allele origin: germline.

Labcorp Genetics (formerly Invitae), Labcorp
Classification: Uncertain significance. Last evaluated: 2022-08-22. Review status: criteria provided, single submitter. Criteria: Invitae Variant Classification Sherloc (09022015). Collection method: clinical testing. Allele origin: germline.
Comment: This sequence change replaces serine, which is neutral and polar, with leucine, which is neutral and non-polar, at codon 457 of the NDUFS1 protein (p.Ser457Leu). This variant is present in population databases (rs201246304, gnomAD 0.02%). This variant has not been reported in the literature in individuals affected with NDUFS1-related conditions. Algorithms developed to predict the effect of missense changes on protein structure and function output the following: SIFT: "Tolerated"; PolyPhen-2: "Benign"; Align-GVGD: "Class C0". The leucine amino acid residue is found in multiple mammalian species, which suggests that this missense change does not adversely affect protein function. In summary, the available evidence is currently insufficient to determine the role of this variant in disease. Therefore, it has been classified as a Variant of Uncertain Significance.

NM_005006.7(NDUFS1):c.1370C>T (p.Ser457Leu)

Gene: NDUFS1 (NADH:ubiquinone oxidoreductase core subunit S1; minus strand). Cytogenetic location: 2q33.3.
Variant type: single nucleotide variant.
Coding change: c.1370C>T on transcript NM_005006.7 (MANE Select); coding-DNA position 1370, C replaced by T.
Protein change: p.Ser457Leu; replaces serine 457 with leucine.
Molecular consequence: missense variant.
Genome position (GRCh38, 1-based): chr2:206,138,507, G>A on the plus strand (C>T on the coding strand, the complement: NDUFS1 is on the minus strand). VCF-style: chr2-206138507-G-A. GRCh37 (hg19) VCF-style: chr2-207003231-G-A.
Other names: c.1370C>T (NM_005006.6, NM_005006.5); c.1262C>T, p.Ser421Leu (NM_001199981.2); c.1037C>T, p.Ser346Leu (NM_001199982.2); c.1199C>T, p.Ser400Leu (NM_001199983.2); c.1412C>T, p.Ser471Leu (NM_001199984.2); short protein forms S471L, S421L, S400L, S346L, S457L.
Identifiers: ClinVar variation 2059396 (VCV002059396.5), dbSNP rs201246304, ClinGen allele CA2070479.
Genomic context (GRCh38, chr2:206,138,507, plus strand): 5'-AAAATCAACAAGAGTAGATACACATAAGTTGAGAGCACCTGGCTAAATGGATGGCTTCCC[G>A]AAGCAATGTCTTGAAGAATTTTGGGGGAGTCTCCCAGGTGGTCATATGTGTAAGTGAGGT-3'
Protein context (NP_004997.4, residues 447-467): DSPKILQDIA[Ser457Leu]GSHPFSQVLK